The following is an entry in ClinVar:

ClinVar aggregate classification (germline): Uncertain significance (1 of 4 stars; one submission).

Conditions:
Ataxia-telangiectasia syndrome (AT). Also called: ATAXIA-TELANGIECTASIA, COMPLEMENTATION GROUP A; ATAXIA-TELANGIECTASIA, FRESNO VARIANT; Ataxia-telangiectasia; Ataxia-telangiectasia, complementation group E; LOUIS-BAR SYNDROME; Cerebello-oculocutaneous telangiectasia. Identifiers: Orphanet 100, MedGen C0004135, MONDO:0008840, OMIM 208900.

Submission:

Labcorp Genetics (formerly Invitae), Labcorp
Classification: Uncertain significance for Ataxia-telangiectasia syndrome. Last evaluated: 2022-10-01. Review status: criteria provided, single submitter. Criteria: Invitae Variant Classification Sherloc (09022015). Collection method: clinical testing. Allele origin: germline.
Comment: This sequence change replaces leucine, which is neutral and non-polar, with histidine, which is basic and polar, at codon 2169 of the ATM protein (p.Leu2169His). This variant is not present in population databases (gnomAD no frequency). This variant has not been reported in the literature in individuals affected with ATM-related conditions. Algorithms developed to predict the effect of missense changes on protein structure and function (SIFT, PolyPhen-2, Align-GVGD) all suggest that this variant is likely to be disruptive. In summary, the available evidence is currently insufficient to determine the role of this variant in disease. Therefore, it has been classified as a Variant of Uncertain Significance.

NM_000051.4(ATM):c.6506T>A (p.Leu2169His)

Genes: ATM (ATM serine/threonine kinase; plus strand), C11orf65 (chromosome 11 open reading frame 65; minus strand). Cytogenetic location: 11q22.3.
Variant type: single nucleotide variant.
Coding change: c.6506T>A on transcript NM_000051.4 (MANE Select); coding-DNA position 6506, T replaced by A.
Protein change: p.Leu2169His; replaces leucine 2169 with histidine.
Molecular consequence: missense variant. On other transcripts: intron variant (2).
Genome position (GRCh38, 1-based): chr11:108,321,354, T>A. VCF-style: chr11-108321354-T-A. GRCh37 (hg19) VCF-style: chr11-108192081-T-A.
Other names: c.6506T>A, p.Leu2169His (NM_001351834.2); c.641-12283A>T (NM_001330368.2); c.*39-12283A>T (NM_001351110.2); short protein forms L2169H.
Identifiers: ClinVar variation 2087453 (VCV002087453.1), dbSNP rs748054311, ClinGen allele CA382554094.